The following is an entry in ClinVar:

NM_031418.4(ANO3):c.657G>A (p.Lys219=)

Gene: ANO3 (anoctamin 3; plus strand). Cytogenetic location: 11p14.2.
Variant type: single nucleotide variant.
Coding change: c.657G>A on transcript NM_031418.4 (MANE Select); coding-DNA position 657, G replaced by A.
Protein change: p.Lys219=; no amino-acid change (lysine 219 retained).
Molecular consequence: synonymous variant.
Genome position (GRCh38, 1-based): chr11:26,516,892, G>A. VCF-style: chr11-26516892-G-A. GRCh37 (hg19) VCF-style: chr11-26538439-G-A.
Other names: c.840G>A, p.Lys280= (NM_001313726.2); c.219G>A, p.Lys73= (NM_001313727.2).
Identifiers: ClinVar variation 3392695 (VCV003392695.1).

ClinVar aggregate classification (germline): Uncertain significance (1 of 4 stars; one submission).

gnomAD v4.1: 7 of 1,611,146 alleles (0.00043%); highest among the groups gnomAD compares: Non-Finnish European, 0.00051%; no homozygotes.

Submission:

GeneDx
Classification: Uncertain significance. Last evaluated: 2024-06-24. Review status: criteria provided, single submitter. Criteria: GeneDx Variant Classification Process June 2021. Collection method: clinical testing. Allele origin: germline. Affected: yes.
Comment: Not observed at significant frequency in large population cohorts (gnomAD); Has not been previously published as pathogenic or benign to our knowledge; In silico analysis is inconclusive as to whether the variant alters gene splicing. In the absence of RNA/functional studies, the actual effect of this sequence change is unknown.